The following is an entry in ClinVar:

NM_020461.4(TUBGCP6):c.4626+16G>A

Gene: TUBGCP6 (tubulin gamma complex component 6; minus strand). Cytogenetic location: 22q13.33.
Variant type: single nucleotide variant.
Coding change: c.4626+16G>A on transcript NM_020461.4 (MANE Select); 16 bases into the intron after coding-DNA position 4626, G replaced by A.
Molecular consequence: intron variant.
Genome position (GRCh38, 1-based): chr22:50,219,052, C>T on the plus strand (G>A on the coding strand, the complement: TUBGCP6 is on the minus strand). VCF-style: chr22-50219052-C-T. GRCh37 (hg19) VCF-style: chr22-50657481-C-T.
Identifiers: ClinVar variation 1523235 (VCV001523235.5), dbSNP rs766398798, ClinGen allele CA10307416.

ClinVar aggregate classification (germline): Uncertain significance (1 of 4 stars; one submission).

Allele frequency attached by ClinVar (database versions not stated): gnomAD 0.00001; TOPMed 0.00003.
gnomAD v4.1: 50 of 1,611,130 alleles (0.0031%); highest among the groups gnomAD compares: Non-Finnish European, 0.0041%; no homozygotes.

Submission:

Labcorp Genetics (formerly Invitae), Labcorp
Classification: Uncertain significance. Last evaluated: 2022-06-22. Review status: criteria provided, single submitter. Criteria: Invitae Variant Classification Sherloc (09022015). Collection method: clinical testing. Allele origin: germline.
Comment: This sequence change falls in intron 20 of the TUBGCP6 gene. It does not directly change the encoded amino acid sequence of the TUBGCP6 protein. This variant is present in population databases (rs766398798, gnomAD 0.003%). This variant has not been reported in the literature in individuals affected with TUBGCP6-related conditions. Algorithms developed to predict the effect of sequence changes on RNA splicing suggest that this variant may create or strengthen a splice site. In summary, the available evidence is currently insufficient to determine the role of this variant in disease. Therefore, it has been classified as a Variant of Uncertain Significance.